The following is an entry in ClinVar:

NM_001025295.3(IFITM5):c.229C>T (p.Arg77Cys)

Gene: IFITM5 (interferon induced transmembrane protein 5; minus strand). Cytogenetic location: 11p15.5.
Variant type: single nucleotide variant.
Coding change: c.229C>T on transcript NM_001025295.3 (MANE Select); coding-DNA position 229, C replaced by T.
Protein change: p.Arg77Cys; replaces arginine 77 with cysteine.
Molecular consequence: missense variant.
Genome position (GRCh38, 1-based): chr11:298,671, G>A on the plus strand (C>T on the coding strand, the complement: IFITM5 is on the minus strand). VCF-style: chr11-298671-G-A. GRCh37 (hg19) VCF-style: chr11-298671-G-A.
Other names: short protein forms R77C.
Identifiers: ClinVar variation 1498162 (VCV001498162.6), dbSNP rs753629362, ClinGen allele CA5773416.

ClinVar aggregate classification (germline): Uncertain significance (1 of 4 stars; one submission).

Allele frequency attached by ClinVar (database versions not stated): TOPMed 0.00002; gnomAD exomes 0.00003; gnomAD 0.00005.

Submission:

Labcorp Genetics (formerly Invitae), Labcorp
Classification: Uncertain significance. Last evaluated: 2022-07-12. Review status: criteria provided, single submitter. Criteria: Invitae Variant Classification Sherloc (09022015). Collection method: clinical testing. Allele origin: germline.
Comment: This sequence change replaces arginine, which is basic and polar, with cysteine, which is neutral and slightly polar, at codon 77 of the IFITM5 protein (p.Arg77Cys). This variant is present in population databases (rs753629362, gnomAD 0.02%). This variant has not been reported in the literature in individuals affected with IFITM5-related conditions. ClinVar contains an entry for this variant (Variation ID: 1498162). Algorithms developed to predict the effect of missense changes on protein structure and function are either unavailable or do not agree on the potential impact of this missense change (SIFT: "Deleterious"; PolyPhen-2: "Probably Damaging"; Align-GVGD: "Class C0"). In summary, the available evidence is currently insufficient to determine the role of this variant in disease. Therefore, it has been classified as a Variant of Uncertain Significance.